The following is an entry in ClinVar:

NM_000432.4(MYL2):c.431del (p.Pro144fs)

Gene: MYL2 (myosin light chain 2; minus strand). Cytogenetic location: 12q24.11.
Variant type: Deletion.
Coding change: c.431del on transcript NM_000432.4 (MANE Select); coding-DNA position 431, one base deleted (C; older notation c.431delC).
Protein change: p.Pro144fs; shifts the reading frame from proline 144.
Molecular consequence: frameshift variant.
Genome position (GRCh38, 1-based): chr12:110,911,147, G deleted on the plus strand (C on the coding strand, the reverse complement: MYL2 is on the minus strand); the first of 6 consecutive G bases (chr12:110,911,147-110,911,152); deleting any one gives the same sequence. VCF-style (leftmost placement, unchanged base first): chr12-110911146-AG-A. GRCh37 (hg19) VCF-style: chr12-111348950-AG-A.
Other names: c.431delC (NM_000432.4, NM_000432.3); short protein forms P144fs.
Identifiers: ClinVar variation 191580 (VCV000191580.17), dbSNP rs786205430, ClinGen allele CA010340.
Genomic context (GRCh38, chr12:110,911,146, plus strand): 5'-CTCTTCTCCGTGGGTGATGATGTGCACCAGGTTCTTGTAGTCCAAGTTGCCAGTCACGTC[AG>A]GGGGGAAGGCGGCGAACATCTGGTCAACCTGCAATGAGCCAGCAACACGTGCTAAGGACG-3'

ClinVar aggregate classification (germline): Conflicting classifications of pathogenicity. Review status: criteria provided, conflicting classifications (1 of 4 stars). 6 submissions from 6 submitters: Likely pathogenic (1); Uncertain significance (4). 1 of the submissions does not count toward it. Last evaluated 2025-03-21.

Conditions:
Cardiovascular phenotype. Identifiers: MedGen CN230736.
Myopathy, myofibrillar, 12, infantile-onset, with cardiomyopathy. Identifiers: MedGen C5561937, MONDO:0859168, OMIM 619424.
MYL2-related disorder. Also called: MYL2-related condition; MYL2-related disease; MYL2-related disorders.
Cardiomyopathy (CMYO). Also called: Cardiomyopathies. Identifiers: Orphanet 167848, MedGen C0878544, MONDO:0004994, HP:0001638. Inheritance: Various modes of inheritance.
Hypertrophic cardiomyopathy 10. Also called: MYL2-Related Familial Hypertrophic Cardiomyopathy; CARDIOMYOPATHY, HYPERTROPHIC, MID-LEFT VENTRICULAR CHAMBER TYPE, 2. Identifiers: MedGen C1834460, MONDO:0012112, OMIM 608758.
Hypertrophic cardiomyopathy. Also called: HYPERTROPHIC MYOCARDIOPATHY. Identifiers: Orphanet 217569, MedGen C0007194, MeSH D002312, MONDO:0005045, HP:0001639.

Submissions (6):

Ambry Genetics
Classification: Uncertain significance for Cardiovascular phenotype. Last evaluated: 2025-03-21. Review status: criteria provided, single submitter. Criteria: Ambry Variant Classification Scheme 2023. Collection method: clinical testing. Allele origin: germline.
Comment: The c.431delC variant, located in coding exon 7 of the MYL2 gene, results from a deletion of one nucleotide at position 431, causing a translational frameshift with a predicted alternate stop codon (p.P144Lfs*3). This alteration occurs at the 3' terminus of theMYL2 gene, is not expected to trigger nonsense-mediated mRNA decay, and only impacts the last 13% of the protein. However, premature stop codons are typically deleterious in nature and the impacted region is critical for protein function (Ambry internal data). This alteration was reported in two siblings with infantile type I muscle fibre disease and cardiomyopathy, both with c.432delT in trans. The parents were each heterozygous for only one of the two alterations and did not show indications of cardiomyopathy (Weterman MA et al. Brain, 2013 Jan;136:282-93). This alteration has also been reported as a secondary cardiac variant in an exome cohort (Ng D et al. Circ Cardiovasc Genet, 2013 Aug;6:337-46). Although biallelic loss of function alterations in MYL2 have been associated with autosomal recessive MYL2-related myofibrillar myopathy with cardiomyopathy, haploinsufficiency for MYL2 has not been clearly established as a mechanism of disease for autosomal dominant MYL2-related cardiomyopathy. Since supporting evidence is limited at this time, the clinical significance of this alteration remains unclear.

Color Diagnostics, LLC DBA Color Health
Classification: Uncertain significance for Cardiomyopathy. Last evaluated: 2024-07-12. Review status: criteria provided, single submitter. Criteria: ACMG Guidelines, 2015. Collection method: clinical testing. Allele origin: germline.
Comment: This variant deletes 1 nucleotide in exon 7 of the MYL2 gene, creating a frameshift and premature translation stop signal in the last coding exon. This mutant transcript is predicted to escape nonsense-mediated decay and be expressed as a truncated protein. This variant has been reported in compound heterozygosity with a different MYL2 frameshift variant in two siblings affected with autosomal recessive fatal infantile cardiomyopathy (PMID: 23365102). This variant has also been reported in the heterozygous state in an individual affected with dilated cardiomyopathy (PMID: 38689299) and in an individual affected with left ventricular noncompaction (PMID: 28855170). This variant has been identified in 4/248926 chromosomes in the general population by the Genome Aggregation Database (gnomAD). Disease-causing variants in MYL2 are mostly missense variants that act in a dominant-negative manner. The role of loss-of-function MYL2 truncation and splice variants in autosomal dominant cardiovascular disorders is not clearly established. The available evidence is insufficient to determine the role of this variant in disease conclusively. Therefore, this variant is classified as a Variant of Uncertain Significance.

Blueprint Genetics
Classification: Likely pathogenic for MYL2-related disorders. Last evaluated: 2024-02-15. Review status: criteria provided, single submitter. Criteria: ACMG Guidelines, 2015. Collection method: clinical testing. Allele origin: germline. Affected: yes. Observed: 2 variant alleles.

Labcorp Genetics (formerly Invitae), Labcorp
Classification: Uncertain significance for Hypertrophic cardiomyopathy 10. Last evaluated: 2023-01-24. Review status: criteria provided, single submitter. Criteria: Invitae Variant Classification Sherloc (09022015). Collection method: clinical testing. Allele origin: germline.
Comment: This sequence change creates a premature translational stop signal (p.Pro144Leufs*3) in the MYL2 gene. While this is not anticipated to result in nonsense mediated decay, it is expected to disrupt the last 23 amino acid(s) of the MYL2 protein. The frequency data for this variant in the population databases is considered unreliable, as metrics indicate poor data quality at this position in the gnomAD database. This premature translational stop signal has been observed in individual(s) with autosomal recessive infantile type I muscle fibre disease and cardiomyopathy (PMID: 23365102). ClinVar contains an entry for this variant (Variation ID: 191580). Experimental studies and prediction algorithms are not available or were not evaluated, and the functional significance of this variant is currently unknown. In summary, the available evidence is currently insufficient to determine the role of this variant in disease. Therefore, it has been classified as a Variant of Uncertain Significance.

Biesecker Lab/Clinical Genomics Section, National Institutes of Health
Classification: Uncertain significance for Cardiomyopathy, hypertrophic. Last evaluated: 2018-04-05. Review status: criteria provided, single submitter. Criteria: ACMG Guidelines, 2015. Collection method: research. Allele origin: unknown. Affected: no. Observed: 1 variant allele.
Comment: The study set was not selected for affection status in relation to arrhythmia or cardiomyopathy. Pathogenicity categories were based on literature curation. See Pubmed ID:25741868 for details.

Medical sequencing

OMIM
Classification: Pathogenic for MYOPATHY, MYOFIBRILLAR, 12, INFANTILE-ONSET, WITH CARDIOMYOPATHY. Last evaluated: 2021-08-05. Review status: no assertion criteria provided. Collection method: literature only. Allele origin: germline. Not counted in ClinVar's aggregate classification.

Literature cited by the submitters: PubMed 23365102 (cited by 4 submitters); PubMed 23861362 (cited by Ambry Genetics); PubMed 28855170 (cited by Ambry Genetics and Color Diagnostics, LLC DBA Color Health); PubMed 38689299 (cited by Color Diagnostics, LLC DBA Color Health).